The following is an entry in ClinVar:

NM_001282933.2(ZNF341):c.1979G>A (p.Cys660Tyr)

Genes: ZNF341 (zinc finger protein 341; plus strand), ZNF341-AS1 (ZNF341 antisense RNA 1; minus strand). Cytogenetic location: 20q11.22.
Variant type: single nucleotide variant.
Coding change: c.1979G>A on transcript NM_001282933.2 (MANE Select); coding-DNA position 1979, G replaced by A.
Protein change: p.Cys660Tyr; replaces cysteine 660 with tyrosine.
Molecular consequence: missense variant. On other transcripts: non-coding transcript variant (1).
Genome position (GRCh38, 1-based): chr20:33,789,532, G>A. VCF-style: chr20-33789532-G-A. GRCh37 (hg19) VCF-style: chr20-32377338-G-A.
Other names: c.1709G>A, p.Cys570Tyr (NM_001282935.2); c.1958G>A, p.Cys653Tyr (NM_032819.5); short protein forms C570Y, C653Y, C660Y.
Identifiers: ClinVar variation 1951522 (VCV001951522.5), dbSNP rs2515510962, ClinGen allele CA408641238.

ClinVar aggregate classification (germline): Uncertain significance (1 of 4 stars; one submission).

Allele frequency attached by ClinVar (database versions not stated): gnomAD exomes below 0.00001.
gnomAD v4.1: 1 of 1,614,102 alleles (0.000062%); no homozygotes.

Submission:

Labcorp Genetics (formerly Invitae), Labcorp
Classification: Uncertain significance. Last evaluated: 2025-06-09. Review status: criteria provided, single submitter. Criteria: Invitae Variant Classification Sherloc (09022015). Collection method: clinical testing. Allele origin: germline.
Comment: This sequence change replaces cysteine, which is neutral and slightly polar, with tyrosine, which is neutral and polar, at codon 653 of the ZNF341 protein (p.Cys653Tyr). This variant is not present in population databases (gnomAD no frequency). This variant has not been reported in the literature in individuals affected with ZNF341-related conditions. ClinVar contains an entry for this variant (Variation ID: 1951522). An algorithm developed to predict the effect of missense changes on protein structure and function (PolyPhen-2) suggests that this variant is likely to be disruptive. In summary, the available evidence is currently insufficient to determine the role of this variant in disease. Therefore, it has been classified as a Variant of Uncertain Significance.